The following is an entry in ClinVar:

NM_022124.6(CDH23):c.9566G>A (p.Arg3189Gln)

Gene: CDH23 (cadherin related 23; plus strand). Cytogenetic location: 10q22.1.
Variant type: single nucleotide variant.
Coding change: c.9566G>A on transcript NM_022124.6 (MANE Select); coding-DNA position 9566, G replaced by A.
Protein change: p.Arg3189Gln; replaces arginine 3189 with glutamine.
Molecular consequence: missense variant.
Genome position (GRCh38, 1-based): chr10:71,812,823, G>A. VCF-style: chr10-71812823-G-A. GRCh37 (hg19) VCF-style: chr10-73572580-G-A.
Other names: NM_022124.5(CDH23):c.9566G>A; c.2846G>A, p.Arg949Gln (NM_001171933.1, NM_001171934.1); c.257G>A, p.Arg86Gln (NM_001171935.1, NM_001171936.1); short protein forms R3189Q, R86Q, R949Q.
Identifiers: ClinVar variation 162956 (VCV000162956.15), dbSNP rs727502936, ClinGen allele CA175533.

ClinVar aggregate classification (germline): Uncertain significance. Review status: reviewed by expert panel (3 of 4 stars). 7 submissions from 7 submitters: Uncertain significance (1). 6 of the submissions do not count toward it. Last evaluated 2023-01-18.

Conditions:
Inborn genetic diseases. Identifiers: MedGen C0950123, MeSH D030342.
Usher syndrome. Also called: Usher's syndrome; Usher Syndromes. Identifiers: Orphanet 886, MedGen CN469326, MeSH D052245, MONDO:0019501. Disease mechanism: loss of function.
Pituitary adenoma 5, multiple types. Identifiers: MedGen C4539685, MONDO:0054601, OMIM 617540.
Usher syndrome type 1 (USH1). Also called: RETINITIS PIGMENTOSA AND CONGENITAL DEAFNESS. Identifiers: Orphanet 231169, Orphanet 886, MedGen C1568247, MONDO:0010168, OMIM 276900.

Allele frequency attached by ClinVar (database versions not stated): ExAC 0.00003; gnomAD 0.00004; gnomAD exomes 0.00004; TOPMed 0.00009.
gnomAD v4.1: 62 of 1,613,390 alleles (0.0038%); highest among the groups gnomAD compares: South Asian, 0.025%; no homozygotes.

Submissions (7):

ClinGen Hearing Loss Variant Curation Expert Panel
Classification: Uncertain significance for Usher syndrome. Last evaluated: 2023-01-18. Review status: reviewed by expert panel. Criteria: Clingen Hl Acmg Specifications Cdh23 Coch Gjb2 Kcnq4 Myo6 Myo7a Slc26a4 Tecta Ush2a V2. Collection method: curation. Allele origin: germline. Inheritance: Autosomal recessive inheritance.
Comment: The NM_022124.6:c.9566G>A variant in the CDH23 gene is a missense variant predicted to cause substitution of arginine by glutamine at amino acid 3189 (p.Arg3189Gln). This variant has been identified in 1 heterozygous patient with sensorineural hearing loss (Partners LMM internal data, SCV000197429.4). The highest population minor allele frequency of the variant is 0.023% (7/30430) of South Asian alleles in gnomAD v.2.1.1, which does not meet any of the criteria for PM2_P, BA1, and BS1. The REVEL computational prediction analysis tool produced a score of 0.683 which does not meet the criteria for PP3. In summary, this variant meets the criteria to be classified as a variant of uncertain significance for autosomal recessive Usher syndrome. ACMG/AMP criteria applied as specified by the ClinGen Hearing Loss VCEP: None (ClinGen Hearing Loss VCEP specifications version 2; 1/18/2022).

Labcorp Genetics (formerly Invitae), Labcorp
Classification: Uncertain significance. Last evaluated: 2025-04-17. Review status: criteria provided, single submitter. Criteria: Invitae Variant Classification Sherloc (09022015). Collection method: clinical testing. Allele origin: germline. Not counted in ClinVar's aggregate classification.
Comment: This sequence change replaces arginine, which is basic and polar, with glutamine, which is neutral and polar, at codon 3189 of the CDH23 protein (p.Arg3189Gln). This variant is present in population databases (rs727502936, gnomAD 0.02%). This variant has not been reported in the literature in individuals affected with CDH23-related conditions. ClinVar contains an entry for this variant (Variation ID: 162956). Invitae Evidence Modeling of protein sequence and biophysical properties (such as structural, functional, and spatial information, amino acid conservation, physicochemical variation, residue mobility, and thermodynamic stability) has been performed for this missense variant. However, the output from this modeling did not meet the statistical confidence thresholds required to predict the impact of this variant on CDH23 protein function. In summary, the available evidence is currently insufficient to determine the role of this variant in disease. Therefore, it has been classified as a Variant of Uncertain Significance.

Ambry Genetics
Classification: Uncertain significance for Inborn genetic diseases. Last evaluated: 2025-04-11. Review status: criteria provided, single submitter. Criteria: Ambry Variant Classification Scheme 2023. Collection method: clinical testing. Allele origin: germline. Not counted in ClinVar's aggregate classification.

Baylor Genetics
Classification: Uncertain significance for Pituitary adenoma 5, multiple types. Last evaluated: 2023-10-29. Review status: criteria provided, single submitter. Criteria: ACMG Guidelines, 2015. Collection method: clinical testing. Allele origin: unknown. Not counted in ClinVar's aggregate classification.

AiLife Diagnostics
Classification: Uncertain significance. Last evaluated: 2021-07-19. Review status: criteria provided, single submitter. Criteria: ACMG Guidelines, 2015. Collection method: clinical testing. Allele origin: germline. Affected: yes. Observed: 1 variant allele. Not counted in ClinVar's aggregate classification.

Laboratory for Molecular Medicine, Mass General Brigham Personalized Medicine
Classification: Uncertain significance. Last evaluated: 2014-03-15. Review status: criteria provided, single submitter. Criteria: LMM Criteria. Collection method: clinical testing. Allele origin: germline. Observed: 1 variant allele. Not counted in ClinVar's aggregate classification.
Comment: The Arg3189Gln variant in CDH23 has not been previously reported in individuals with hearing loss and was absent from large population studies. Computational pr ediction tools and conservation analyses do not provide strong support for or ag ainst an impact to the protein. In summary, additional information is needed to determine the clinical significance of this variant.

Natera, Inc.
Classification: Uncertain significance for Usher syndrome type 1. Last evaluated: 2019-10-28. Review status: no assertion criteria provided. Collection method: clinical testing. Allele origin: germline. Not counted in ClinVar's aggregate classification.